The following is an entry in ClinVar:

ClinVar aggregate classification (germline): Pathogenic (1 of 4 stars; one submission).

Conditions:
DYRK1A-related intellectual disability syndrome (MRD7). Also called: DYRK1A Syndrome; Intellectual developmental disorder, autosomal dominant 7. Identifiers: Orphanet 464306, MedGen C5568143, MONDO:0013578, OMIM 614104.

Submission:

Labcorp Genetics (formerly Invitae), Labcorp
Classification: Pathogenic for DYRK1A-related intellectual disability syndrome. Last evaluated: 2025-11-05. Review status: criteria provided, single submitter. Criteria: Invitae Variant Classification Sherloc (09022015). Collection method: clinical testing. Allele origin: germline.
Comment: This sequence change creates a premature translational stop signal (p.Glu331Glnfs*38) in the DYRK1A gene. It is expected to result in an absent or disrupted protein product. Loss-of-function variants in DYRK1A are known to be pathogenic (PMID: 25944381). This variant is not present in population databases (gnomAD no frequency). This variant has not been reported in the literature in individuals affected with DYRK1A-related conditions. For these reasons, this variant has been classified as Pathogenic.

Literature cited by the submitters: PubMed 25944381.

NM_001347721.2(DYRK1A):c.961_962dup (p.Glu322fs)

Gene: DYRK1A (dual specificity tyrosine phosphorylation regulated kinase 1A; plus strand). Cytogenetic location: 21q22.13.
Variant type: Duplication.
Coding change: c.961_962dup on transcript NM_001347721.2 (MANE Select); coding-DNA positions 961 to 962, 2 bases duplicated (CC; older notation c.961_962dupCC).
Protein change: p.Glu322fs; shifts the reading frame from glutamic acid 322.
Molecular consequence: frameshift variant.
Genome position (GRCh38, 1-based): chr21:37,493,053-37,493,054, CC duplicated. VCF-style (leftmost placement, unchanged base first): chr21-37493052-T-TCC. GRCh37 (hg19) VCF-style: chr21-38865354-T-TCC.
Other names: c.961_962dup, p.Glu322fs (NM_001347722.2, NM_130436.2); c.874_875dup, p.Glu293fs (NM_001347723.2); c.988_989dup, p.Glu331fs (NM_001396.5, NM_101395.2, NM_130438.2); short protein forms E331fs, E322fs, E293fs.
Identifiers: ClinVar variation 4730558 (VCV004730558.1).